The following is an entry in ClinVar:

NM_177550.5(SLC13A5):c.227G>A (p.Arg76Lys)

Gene: SLC13A5 (solute carrier family 13 member 5; minus strand). Cytogenetic location: 17p13.1.
Variant type: single nucleotide variant.
Coding change: c.227G>A on transcript NM_177550.5 (MANE Select); coding-DNA position 227, G replaced by A.
Protein change: p.Arg76Lys; replaces arginine 76 with lysine.
Molecular consequence: missense variant. On other transcripts: intron variant (1).
Genome position (GRCh38, 1-based): chr17:6,707,032, C>T on the plus strand (G>A on the coding strand, the complement: SLC13A5 is on the minus strand). VCF-style: chr17-6707032-C-T. GRCh37 (hg19) VCF-style: chr17-6610351-C-T.
Other names: c.227G>A, p.Arg76Lys (NM_001143838.3, NM_001284509.2); c.103-254G>A (NM_001284510.2); short protein forms R76K.
Identifiers: ClinVar variation 841533 (VCV000841533.5), dbSNP rs778196660, ClinGen allele CA8331850.
Genomic context (GRCh38, chr17:6,707,032, plus strand): 5'-GAGAAAGAGAGAAGGGGAGAACCAGAAAGTCACCAGGATCCCTTGGGTCTGCTCACCTGC[C>T]TGGAGTCCAGAATCTGGAAGAGTGGGAAAAGCAAGACAGGCATGAGAGAGGTGACAGCCA-3'
Protein context (NP_808218.1, residues 66-86): LFPLFQILDS[Arg76Lys]QVCVQYMKDT

ClinVar aggregate classification (germline): Uncertain significance (1 of 4 stars; one submission).

Conditions:
Developmental and epileptic encephalopathy, 25 (DEE25). Also called: Epileptic encephalopathy, early infantile, 25; Developmental and epileptic encephalopathy 25, with amelogenesis imperfecta; Epileptic encephalopathy, early infantile, 25, with amelogenesis imperfecta. Identifiers: Orphanet 442835, MedGen C4014621, MONDO:0014392, OMIM 615905.

Allele frequency attached by ClinVar (database versions not stated): gnomAD exomes 0.00001 and 0.00002; ExAC 0.00002; TOPMed 0.00002.
gnomAD v4.1: 5 of 1,613,892 alleles (0.00031%); highest among the groups gnomAD compares: Admixed American, 0.0083%; no homozygotes.

Submission:

Labcorp Genetics (formerly Invitae), Labcorp
Classification: Uncertain significance for Developmental and epileptic encephalopathy, 25. Last evaluated: 2022-09-07. Review status: criteria provided, single submitter. Criteria: Invitae Variant Classification Sherloc (09022015). Collection method: clinical testing. Allele origin: germline.
Comment: This sequence change replaces arginine, which is basic and polar, with lysine, which is basic and polar, at codon 76 of the SLC13A5 protein (p.Arg76Lys). This variant is present in population databases (rs778196660, gnomAD 0.01%). This variant has not been reported in the literature in individuals affected with SLC13A5-related conditions. ClinVar contains an entry for this variant (Variation ID: 841533). Algorithms developed to predict the effect of missense changes on protein structure and function output the following: SIFT: "Tolerated"; PolyPhen-2: "Benign"; Align-GVGD: "Class C0". The lysine amino acid residue is found in multiple mammalian species, which suggests that this missense change does not adversely affect protein function. In summary, the available evidence is currently insufficient to determine the role of this variant in disease. Therefore, it has been classified as a Variant of Uncertain Significance.